The following is an entry in ClinVar:

ClinVar aggregate classification (germline): Pathogenic. Review status: criteria provided, single submitter (1 of 4 stars). 2 submissions from 2 submitters: Pathogenic (1). 1 of the submissions does not count toward it. Last evaluated 2024-09-11.

Conditions:
Intellectual disability-obesity-brain malformations-facial dysmorphism syndrome. Identifiers: Orphanet 352530, MedGen C4706414, MONDO:0018123.

Allele frequency attached by ClinVar (database versions not stated): gnomAD exomes 0.00001; gnomAD 0.00003; TOPMed 0.00003.
gnomAD v4.1: 15 of 1,547,280 alleles (0.00097%); highest among the groups gnomAD compares: African/African-American, 0.0014%; no homozygotes.

Submissions (2):

Labcorp Genetics (formerly Invitae), Labcorp
Classification: Pathogenic. Last evaluated: 2024-09-11. Review status: criteria provided, single submitter. Criteria: Invitae Variant Classification Sherloc (09022015). Collection method: clinical testing. Allele origin: germline.
Comment: This sequence change creates a premature translational stop signal (p.Arg1035*) in the TRAPPC9 gene. It is expected to result in an absent or disrupted protein product. Loss-of-function variants in TRAPPC9 are known to be pathogenic (PMID: 2000476, 20004763, 20004764). The frequency data for this variant in the population databases is considered unreliable, as metrics indicate poor data quality at this position in the gnomAD database. This premature translational stop signal has been observed in individual(s) with clinical features of TRAPPC9-related conditions (PMID: 33513295, 33767182). ClinVar contains an entry for this variant (Variation ID: 975626). For these reasons, this variant has been classified as Pathogenic.

Centre de Biologie Pathologie Génétique, Centre Hospitalier Universitaire de Lille
Classification: Pathogenic for Intellectual disability-obesity-brain malformations-facial dysmorphism syndrome. Last evaluated: 2019-01-01. Review status: no assertion criteria provided. Collection method: clinical testing. Allele origin: biparental. Affected: yes. Not counted in ClinVar's aggregate classification.

Literature cited by the submitters: PubMed 2000476 (cited by Labcorp Genetics (formerly Invitae), Labcorp); PubMed 20004763 (cited by Labcorp Genetics (formerly Invitae), Labcorp); PubMed 20004764 (cited by Labcorp Genetics (formerly Invitae), Labcorp); PubMed 33513295 (cited by Labcorp Genetics (formerly Invitae), Labcorp); PubMed 33767182 (cited by Labcorp Genetics (formerly Invitae), Labcorp).

NM_001160372.4(TRAPPC9):c.2809C>T (p.Arg937Ter)

Gene: TRAPPC9 (trafficking protein particle complex subunit 9; minus strand). Cytogenetic location: 8q24.3.
Variant type: single nucleotide variant.
Coding change: c.2809C>T on transcript NM_001160372.4 (MANE Select); coding-DNA position 2809, C replaced by T.
Protein change: p.Arg937Ter; replaces arginine 937 with a stop codon.
Molecular consequence: nonsense. On other transcripts: non-coding transcript variant (1), intron variant (1).
Genome position (GRCh38, 1-based): chr8:139,988,727, G>A on the plus strand (C>T on the coding strand, the complement: TRAPPC9 is on the minus strand). VCF-style: chr8-139988727-G-A. GRCh37 (hg19) VCF-style: chr8-140998935-G-A.
Other names: c.2782C>T, p.Arg928Ter (NM_001321646.2); c.2830C>T, p.Arg944Ter (NM_001374682.1); c.2665C>T, p.Arg889Ter (NM_001374684.1); c.2809C>T, p.Arg937Ter (NM_031466.8); c.2699+35210C>T (NM_001374683.1); short protein forms R889*, R928*, R937*, R944*.
Identifiers: ClinVar variation 975626 (VCV000975626.3), dbSNP rs889624353, ClinGen allele CA187232718.
Genomic context (GRCh38, chr8:139,988,727, plus strand): 5'-GCAGCGTGGTGAAGGCAGAGGGTGGCCTGCGGCGGCGCGAGGGTCTATGGGACACTTACC[G>A]CTGGCACTCACCGGCGTGCAGGATGAGTGCCTCGCTGCTCCTGGTGCTGACGGTCAGCTC-3'